The following is an entry in ClinVar:

NM_000465.4(BARD1):c.752G>C (p.Ser251Thr)

Gene: BARD1 (BRCA1 associated RING domain 1; minus strand). Cytogenetic location: 2q35.
Variant type: single nucleotide variant.
Coding change: c.752G>C on transcript NM_000465.4 (MANE Select); coding-DNA position 752, G replaced by C.
Protein change: p.Ser251Thr; replaces serine 251 with threonine.
Molecular consequence: missense variant. On other transcripts: non-coding transcript variant (2), intron variant (3).
Genome position (GRCh38, 1-based): chr2:214,781,122, C>G on the plus strand (G>C on the coding strand, the complement: BARD1 is on the minus strand). VCF-style: chr2-214781122-C-G. GRCh37 (hg19) VCF-style: chr2-215645846-C-G.
Other names: c.695G>C, p.Ser232Thr (NM_001282543.2); c.158+28290G>C (NM_001282548.2); c.215+15939G>C (NM_001282545.2); c.364+11175G>C (NM_001282549.2); short protein forms S232T, S251T.
Identifiers: ClinVar variation 2175878 (VCV002175878.6), dbSNP rs1553622477, ClinGen allele CA350456057.

ClinVar aggregate classification (germline): Uncertain significance. Review status: criteria provided, multiple submitters, no conflicts (2 of 4 stars). 2 submissions from 2 submitters: Uncertain significance (2). Last evaluated 2025-03-25.

Conditions:
Familial cancer of breast. Also called: Hereditary breast cancer; hereditary breast carcinoma; BREAST CANCER, FAMILIAL. Identifiers: Orphanet 227535, MedGen C0346153, MONDO:0016419, OMIM 114480. Disease mechanism: loss of function.
Hereditary cancer-predisposing syndrome. Also called: Tumor predisposition; Hereditary neoplastic syndrome; Neoplastic Syndromes, Hereditary; Hereditary Cancer Syndrome. Identifiers: Orphanet 140162, MedGen C0027672, MeSH D009386, MONDO:0015356.

Allele frequency attached by ClinVar (database versions not stated): TOPMed below 0.00001.

Submissions (2):

Labcorp Genetics (formerly Invitae), Labcorp
Classification: Uncertain significance for Familial cancer of breast. Last evaluated: 2025-03-25. Review status: criteria provided, single submitter. Criteria: Invitae Variant Classification Sherloc (09022015). Collection method: clinical testing. Allele origin: germline.
Comment: This sequence change replaces serine, which is neutral and polar, with threonine, which is neutral and polar, at codon 251 of the BARD1 protein (p.Ser251Thr). This variant is not present in population databases (gnomAD no frequency). This variant has not been reported in the literature in individuals affected with BARD1-related conditions. ClinVar contains an entry for this variant (Variation ID: 2175878). An algorithm developed to predict the effect of missense changes on protein structure and function outputs the following: PolyPhen-2: "Benign". The threonine amino acid residue is found in multiple mammalian species, which suggests that this missense change does not adversely affect protein function. In summary, the available evidence is currently insufficient to determine the role of this variant in disease. Therefore, it has been classified as a Variant of Uncertain Significance.

Color Diagnostics, LLC DBA Color Health
Classification: Uncertain significance for Hereditary cancer-predisposing syndrome. Last evaluated: 2024-03-06. Review status: criteria provided, single submitter. Criteria: ACMG Guidelines, 2015. Collection method: clinical testing. Allele origin: germline.
Comment: This missense variant replaces serine with threonine at codon 251 of the BARD1 protein. Computational prediction suggests that this variant may not impact protein structure and function (internally defined REVEL score threshold <= 0.5, PMID: 27666373). To our knowledge, functional studies have not been reported for this variant. This variant has not been reported in individuals affected with hereditary cancer in the literature. This variant has not been identified in the general population by the Genome Aggregation Database (gnomAD). The available evidence is insufficient to determine the role of this variant in disease conclusively. Therefore, this variant is classified as a Variant of Uncertain Significance.